The following is an entry in ClinVar:

ClinVar aggregate classification (germline): Uncertain significance (1 of 4 stars; one submission).

Conditions:
Familial thoracic aortic aneurysm and aortic dissection (TAAD). Also called: Thoracic aortic aneurysms and dissections. Identifiers: Orphanet 91387, MedGen C4707243, MONDO:0019625.
Marfan syndrome (MFS). Also called: FBN1-Related Marfan Syndrome; Marfan's syndrome; MARFAN SYNDROME, TYPE I; Marfan syndrome type 1; Marfan syndrome, classic. Identifiers: Orphanet 284963, Orphanet 558, MedGen C0024796, MONDO:0007947, OMIM 154700.

Allele frequency attached by ClinVar (database versions not stated): gnomAD exomes 0.00001 and below 0.00001; TOPMed 0.00001.
gnomAD v4.1: 11 of 1,614,170 alleles (0.00068%); highest among the groups gnomAD compares: Admixed American, 0.0017%; no homozygotes.

Submission:

Labcorp Genetics (formerly Invitae), Labcorp
Classification: Uncertain significance for Marfan syndrome; Familial thoracic aortic aneurysm and aortic dissection. Last evaluated: 2024-10-17. Review status: criteria provided, single submitter. Criteria: Invitae Variant Classification Sherloc (09022015). Collection method: clinical testing. Allele origin: germline.
Comment: This sequence change replaces leucine, which is neutral and non-polar, with proline, which is neutral and non-polar, at codon 2710 of the FBN1 protein (p.Leu2710Pro). This variant is present in population databases (no rsID available, gnomAD 0.003%). This missense change has been observed in individual(s) with clinical features of Marfan syndrome (internal data). ClinVar contains an entry for this variant (Variation ID: 847326). Invitae Evidence Modeling of protein sequence and biophysical properties (such as structural, functional, and spatial information, amino acid conservation, physicochemical variation, residue mobility, and thermodynamic stability) indicates that this missense variant is expected to disrupt FBN1 protein function with a positive predictive value of 95%. In summary, the available evidence is currently insufficient to determine the role of this variant in disease. Therefore, it has been classified as a Variant of Uncertain Significance.

NM_000138.5(FBN1):c.8129T>C (p.Leu2710Pro)

Gene: FBN1 (fibrillin 1; minus strand). Cytogenetic location: 15q21.1.
Variant type: single nucleotide variant.
Coding change: c.8129T>C on transcript NM_000138.5 (MANE Select); coding-DNA position 8129, T replaced by C.
Protein change: p.Leu2710Pro; replaces leucine 2710 with proline.
Molecular consequence: missense variant.
Genome position (GRCh38, 1-based): chr15:48,412,666, A>G on the plus strand (T>C on the coding strand, the complement: FBN1 is on the minus strand). VCF-style: chr15-48412666-A-G. GRCh37 (hg19) VCF-style: chr15-48704863-A-G.
Other names: short protein forms L2710P.
Identifiers: ClinVar variation 847326 (VCV000847326.9), dbSNP rs1297376845, ClinGen allele CA392321268.